The following is an entry in ClinVar:

NM_004655.4(AXIN2):c.2065A>G (p.Thr689Ala)

Gene: AXIN2 (axin 2; minus strand). Cytogenetic location: 17q24.1.
Variant type: single nucleotide variant.
Coding change: c.2065A>G on transcript NM_004655.4 (MANE Select); coding-DNA position 2065, A replaced by G.
Protein change: p.Thr689Ala; replaces threonine 689 with alanine.
Molecular consequence: missense variant.
Genome position (GRCh38, 1-based): chr17:65,536,396, T>C on the plus strand (A>G on the coding strand, the complement: AXIN2 is on the minus strand). VCF-style: chr17-65536396-T-C. GRCh37 (hg19) VCF-style: chr17-63532514-T-C.
Other names: c.1870A>G, p.Thr624Ala (NM_001363813.1); short protein forms T689A, T624A.
Identifiers: ClinVar variation 854399 (VCV000854399.12), dbSNP rs1229715038, ClinGen allele CA400676058.
Genomic context (GRCh38, chr17:65,536,396, plus strand): 5'-TCGACACCTCAGCTAGCCTGCGACAGGCCTCCTCCAGCTGAGCCAGCGTGTTGGGTGGGG[T>C]CAGGGGAGGCATCGCAGGGTCCTGGGTGAACAGGTGGGCACGGGGGGTGGTGCGGGGGTG-3'
Protein context (NP_004646.3, residues 679-699): FTQDPAMPPL[Thr689Ala]PPNTLAQLEE

ClinVar aggregate classification (germline): Uncertain significance. Review status: criteria provided, multiple submitters, no conflicts (2 of 4 stars). 3 submissions from 3 submitters: Uncertain significance (3). Last evaluated 2026-01-25.

Conditions:
Colorectal cancer. Also called: Colorectal cancer, somatic; Malignant Colorectal Neoplasm. Identifiers: MedGen C0346629, MONDO:0005575, OMIM 114500.
Hereditary cancer-predisposing syndrome. Also called: Hereditary Cancer Syndrome; Tumor predisposition; Neoplastic Syndromes, Hereditary; Hereditary neoplastic syndrome. Identifiers: Orphanet 140162, MedGen C0027672, MeSH D009386, MONDO:0015356.
Oligodontia-cancer predisposition syndrome. Also called: TOOTH AGENESIS-COLORECTAL CANCER SYNDROME. Identifiers: Orphanet 300576, MedGen C1837750, MONDO:0012075, OMIM 608615. Disease mechanism: loss of function.

Allele frequency attached by ClinVar (database versions not stated): gnomAD exomes below 0.00001.
gnomAD v4.1: 4 of 1,613,718 alleles (0.00025%); highest among the groups gnomAD compares: Non-Finnish European, 0.00034%; no homozygotes.

Submissions (3):

Ambry Genetics
Classification: Uncertain significance for Hereditary cancer-predisposing syndrome. Last evaluated: 2026-01-25. Review status: criteria provided, single submitter. Criteria: Ambry Variant Classification Scheme 2023. Collection method: clinical testing. Allele origin: germline.
Comment: The p.T689A variant (also known as c.2065A>G), located in coding exon 7 of the AXIN2 gene, results from an A to G substitution at nucleotide position 2065. The threonine at codon 689 is replaced by alanine, an amino acid with similar properties. This amino acid position is conserved. In addition, this alteration is predicted to be tolerated by in silico analysis. Based on the available evidence, the clinical significance of this variant remains unclear.

Baylor Genetics
Classification: Uncertain significance for Colorectal cancer. Last evaluated: 2023-11-20. Review status: criteria provided, single submitter. Criteria: ACMG Guidelines, 2015. Collection method: clinical testing. Allele origin: unknown.

Labcorp Genetics (formerly Invitae), Labcorp
Classification: Uncertain significance for Oligodontia-cancer predisposition syndrome. Last evaluated: 2019-12-30. Review status: criteria provided, single submitter. Criteria: Invitae Variant Classification Sherloc (09022015). Collection method: clinical testing. Allele origin: germline.
Comment: In summary, the available evidence is currently insufficient to determine the role of this variant in disease. Therefore, it has been classified as a Variant of Uncertain Significance. Algorithms developed to predict the effect of missense changes on protein structure and function output the following: SIFT: "Tolerated"; PolyPhen-2: "Benign"; Align-GVGD: "Class C0". The alanine amino acid residue is found in multiple mammalian species, suggesting that this missense change does not adversely affect protein function. These predictions have not been confirmed by published functional studies and their clinical significance is uncertain. This variant has not been reported in the literature in individuals with AXIN2-related conditions. This variant is not present in population databases (ExAC no frequency). This sequence change replaces threonine with alanine at codon 689 of the AXIN2 protein (p.Thr689Ala). The threonine residue is moderately conserved and there is a small physicochemical difference between threonine and alanine.